The following is an entry in ClinVar:

NM_006204.4(PDE6C):c.2274A>G (p.Gln758=)

Gene: PDE6C (phosphodiesterase 6C; plus strand). Cytogenetic location: 10q23.33.
Variant type: single nucleotide variant.
Coding change: c.2274A>G on transcript NM_006204.4 (MANE Select); coding-DNA position 2274, A replaced by G.
Protein change: p.Gln758=; no amino-acid change (glutamine 758 retained).
Molecular consequence: synonymous variant.
Genome position (GRCh38, 1-based): chr10:93,662,124, A>G. VCF-style: chr10-93662124-A-G. GRCh37 (hg19) VCF-style: chr10-95421881-A-G.
Other names: c.2274A>G (NM_006204.3).
Identifiers: ClinVar variation 1109333 (VCV001109333.11), dbSNP rs747590941, ClinGen allele CA211553701.
Genomic context (GRCh38, chr10:93,662,124, plus strand): 5'-ACTTATGGTTGCAAATGAATTTTGGGAACAAGGAGATCTGGAGAGAACAGTGTTGCAGCA[A>G]CAACCCATTGTAAGACCTTGACATAAAAATGTATTACTTATTAAAAGTTATCAGGACAGG-3'
Protein context (NP_006195.3, residues 748-768): QGDLERTVLQ[Gln758=]QPIPMMDRNK

ClinVar aggregate classification (germline): Likely benign. Review status: criteria provided, multiple submitters, no conflicts (2 of 4 stars). 3 submissions from 3 submitters: Likely benign (3). Last evaluated 2025-07-13.

Conditions:
PDE6C-related disorder. Also called: PDE6C-related condition.

Allele frequency attached by ClinVar (database versions not stated): gnomAD exomes below 0.00001; gnomAD 0.00001; TOPMed 0.00001.
gnomAD v4.1: 16 of 1,601,124 alleles (0.001%); highest among the groups gnomAD compares: East Asian, 0.0045%; no homozygotes.

Submissions (3):

Labcorp Genetics (formerly Invitae), Labcorp
Classification: Likely benign. Last evaluated: 2025-07-13. Review status: criteria provided, single submitter. Criteria: Invitae Variant Classification Sherloc (09022015). Collection method: clinical testing. Allele origin: germline.

PreventionGenetics, part of Exact Sciences
Classification: Likely benign for PDE6C-related condition. Last evaluated: 2025-01-02. Review status: criteria provided, single submitter. Criteria: ACMG Guidelines, 2015. Collection method: clinical testing. Allele origin: germline.
Comment: This variant is classified as likely benign based on ACMG/AMP sequence variant interpretation guidelines (Richards et al. 2015 PMID: 25741868, with internal and published modifications).

Blueprint Genetics
Classification: Likely benign. Last evaluated: 2024-11-20. Review status: criteria provided, single submitter. Criteria: ACMG Guidelines, 2015. Collection method: clinical testing. Allele origin: germline.